The following is an entry in ClinVar:

ClinVar aggregate classification (germline): Uncertain significance (0 of 4 stars; one submission).

Conditions:
RELN-related disorder. Also called: RELN-related condition.

Submission:

PreventionGenetics, part of Exact Sciences
Classification: Uncertain significance for RELN-related condition. Last evaluated: 2024-08-15. Review status: no assertion criteria provided. Collection method: clinical testing. Allele origin: germline.
Comment: The RELN c.9277C>T variant is predicted to result in the amino acid substitution p.Leu3093Phe. To our knowledge, this variant has not been reported in the literature or in a large population database, indicating this variant is rare. At this time, the clinical significance of this variant is uncertain due to the absence of conclusive functional and genetic evidence.

NM_005045.4(RELN):c.9277C>T (p.Leu3093Phe)

Genes: RELN (reelin; minus strand), SLC26A5-AS1 (SLC26A5 antisense RNA 1; plus strand). Cytogenetic location: 7q22.1.
Variant type: single nucleotide variant.
Coding change: c.9277C>T on transcript NM_005045.4 (MANE Select); coding-DNA position 9277, C replaced by T.
Protein change: p.Leu3093Phe; replaces leucine 3093 with phenylalanine.
Molecular consequence: missense variant.
Genome position (GRCh38, 1-based): chr7:103,495,815, G>A on the plus strand (C>T on the coding strand, the complement: RELN is on the minus strand). VCF-style: chr7-103495815-G-A. GRCh37 (hg19) VCF-style: chr7-103136262-G-A.
Other names: c.9277C>T, p.Leu3093Phe (NM_173054.3); short protein forms L3093F.
Identifiers: ClinVar variation 3351972 (VCV003351972.1).